The following is an entry in ClinVar:

ClinVar aggregate classification (germline): Uncertain significance (1 of 4 stars; one submission).

Submission:

Labcorp Genetics (formerly Invitae), Labcorp
Classification: Uncertain significance. Last evaluated: 2023-10-10. Review status: criteria provided, single submitter. Criteria: Invitae Variant Classification Sherloc (09022015). Collection method: clinical testing. Allele origin: unknown.
Comment: A copy number gain of the genomic region encompassing the full coding sequence of the XRCC2 gene has been identified. The boundaries of this event are unknown as they extend beyond the assayed region for this gene and therefore may encompass additional genes. As the precise location of this event is unknown, it may be in tandem or it may be located elsewhere in the genome. This variant has not been reported in the literature in individuals affected with XRCC2-related conditions. In summary, the available evidence is currently insufficient to determine the role of this variant in disease. Therefore, it has been classified as a Variant of Uncertain Significance.

NC_000007.14:g.(?_152648642)_(152676080_?)dup

Gene: XRCC2 (X-ray repair cross complementing 2; minus strand). Cytogenetic location: 7q36.1.
Variant type: Duplication.
Identifiers: ClinVar variation 3245889 (VCV003245889.1).